The following is an entry in ClinVar:

ClinVar aggregate classification (germline): Uncertain significance (1 of 4 stars; one submission).

Submission:

Labcorp Genetics (formerly Invitae), Labcorp
Classification: Uncertain significance. Last evaluated: 2022-05-25. Review status: criteria provided, single submitter. Criteria: Invitae Variant Classification Sherloc (09022015). Collection method: clinical testing. Allele origin: germline.
Comment: In summary, the available evidence is currently insufficient to determine the role of this variant in disease. Therefore, it has been classified as a Variant of Uncertain Significance. Algorithms developed to predict the effect of missense changes on protein structure and function (SIFT, PolyPhen-2, Align-GVGD) all suggest that this variant is likely to be tolerated. This variant has not been reported in the literature in individuals affected with FUK-related conditions. This variant is not present in population databases (gnomAD no frequency). This sequence change replaces tyrosine, which is neutral and polar, with asparagine, which is neutral and polar, at codon 640 of the FUK protein (p.Tyr640Asn).

NM_145059.3(FCSK):c.1918T>A (p.Tyr640Asn)

Gene: FCSK (fucose kinase; plus strand). Cytogenetic location: 16q22.1.
Variant type: single nucleotide variant.
Coding change: c.1918T>A on transcript NM_145059.3 (MANE Select); coding-DNA position 1918, T replaced by A.
Protein change: p.Tyr640Asn; replaces tyrosine 640 with asparagine.
Molecular consequence: missense variant.
Genome position (GRCh38, 1-based): chr16:70,474,269, T>A. VCF-style: chr16-70474269-T-A. GRCh37 (hg19) VCF-style: chr16-70508172-T-A.
Other names: short protein forms Y640N.
Identifiers: ClinVar variation 1999056 (VCV001999056.4), dbSNP rs2507438695, ClinGen allele CA396571773.
Genomic context (GRCh38, chr16:70,474,269, plus strand): 5'-GGCCGTGGGGGCTTGCGGAGCGGGCCAGCTGCCAACCCTGAGTGGATGCGGCCCTTCTCA[T>A]ACCTGGAGTGTGGAGACCTGGCAGCGGGCGTGGAGGCGCTTGCCCAGGAGAGGGACAAGT-3'
Protein context (NP_659496.2, residues 630-650): ANPEWMRPFS[Tyr640Asn]LECGDLAAGV